The following is an entry in ClinVar:

ClinVar aggregate classification (germline): Conflicting classifications of pathogenicity. Review status: criteria provided, conflicting classifications (1 of 4 stars). 4 submissions from 4 submitters: Pathogenic (1); Uncertain significance (3). Last evaluated 2026-07-20.

Conditions:
Holocarboxylase synthetase deficiency. Also called: MULTIPLE CARBOXYLASE DEFICIENCY, EARLY ONSET. Identifiers: Orphanet 79242, MedGen C0268581, MONDO:0009666, OMIM 253270.

Allele frequency attached by ClinVar (database versions not stated): TOPMed below 0.00001; gnomAD 0.00001; gnomAD exomes 0.00002.
gnomAD v4.1: 18 of 1,613,984 alleles (0.0011%); highest among the groups gnomAD compares: Non-Finnish European, 0.0015%; no homozygotes.

Submissions (4):

Myriad Genetics, Inc.
Classification: Uncertain significance for Holocarboxylase synthetase deficiency. Last evaluated: 2026-07-20. Review status: criteria provided, single submitter. Criteria: Myriad Autosomal Dominant, Autosomal Recessive and X-Linked Classification Criteria (2023). Collection method: clinical testing. Allele origin: unknown.
Comment: NM_000411.6(HLCS):c.1825C>T(P609S) is a missense variant classified as a variant of uncertain significance in the context of holocarboxylase synthetase deficiency. P609S has been observed in cases with relevant disease (PMID: 36890565, 38146699). Relevant functional assessments of this variant are not available in the literature. P609S has not been observed in referenced population frequency databases. In summary, there is insufficient evidence to classify NM_000411.6(HLCS):c.1825C>T(P609S) as pathogenic or benign. Please note: this variant was assessed in the context of healthy population screening.

Stanford Starfish Project, Stanford University
Classification: Pathogenic for Holocarboxylase synthetase deficiency. Last evaluated: 2026-03-16. Review status: criteria provided, single submitter. Criteria: ACMG Guidelines, 2015. Collection method: provider interpretation. Allele origin: paternal. Inheritance: Autosomal recessive inheritance. Affected: yes. Observed: 1 variant allele, 1 compound heterozygote.
Comment: This variant is predicted to result in the substitution of proline by serine at amino acid 609 (p.Pro609Ser). This variant is rare in large population databases with an allele frequency of 0.006488% in European populations. In silico analysis supports that this missense variant has a deleterious effect on the protein. See Observation 1 for details on clinical features. Variant confirmed to be in trans with another variant in HLCS currently classified as VUS (c.995A>G, p.Gln332Arg)

Women's Health and Genetics/Laboratory Corporation of America, LabCorp
Classification: Uncertain significance. Last evaluated: 2024-08-08. Review status: criteria provided, single submitter. Criteria: LabCorp Variant Classification Summary - May 2015. Collection method: clinical testing. Allele origin: germline.
Comment: Variant summary: HLCS c.1825C>T (p.Pro609Ser) results in a non-conservative amino acid change located in the Biotinyl protein ligase (BPL) and lipoyl protein ligase (LPL), catalytic domain (IPR004143) of the encoded protein sequence. Five of five in-silico tools predict a damaging effect of the variant on protein function. The variant was absent in 251492 control chromosomes. c.1825C>T has been reported in the literature in at least two compound heterozygous individuals affected with Holocarboxylase Synthetase Deficiency (e.g., Ling_2023). These data indicate that the variant may be associated with disease. To our knowledge, no experimental evidence demonstrating an impact on protein function has been reported. The following publication has been ascertained in the context of this evaluation (PMID: 36890565). ClinVar contains an entry for this variant (Variation ID: 1419930). Based on the evidence outlined above, the variant was classified as VUS-possibly pathogenic.

Labcorp Genetics (formerly Invitae), Labcorp
Classification: Uncertain significance for Holocarboxylase synthetase deficiency. Last evaluated: 2021-09-01. Review status: criteria provided, single submitter. Criteria: Invitae Variant Classification Sherloc (09022015). Collection method: clinical testing. Allele origin: germline.
Comment: This sequence change replaces proline with serine at codon 609 of the HLCS protein (p.Pro609Ser). The proline residue is highly conserved and there is a moderate physicochemical difference between proline and serine. This variant is not present in population databases (ExAC no frequency). This variant has not been reported in the literature in individuals affected with HLCS-related conditions. Advanced modeling of protein sequence and biophysical properties (such as structural, functional, and spatial information, amino acid conservation, physicochemical variation, residue mobility, and thermodynamic stability) performed at Invitae indicates that this missense variant is expected to disrupt HLCS protein function. In summary, the available evidence is currently insufficient to determine the role of this variant in disease. Therefore, it has been classified as a Variant of Uncertain Significance.

Literature cited by the submitters: PubMed 36890565 (cited by Myriad Genetics, Inc. and Women's Health and Genetics/Laboratory Corporation of America, LabCorp); PubMed 38146699 (cited by Myriad Genetics, Inc.).

NM_001352514.2(HLCS):c.2266C>T (p.Pro756Ser)

Gene: HLCS (holocarboxylase synthetase; minus strand). Cytogenetic location: 21q22.13.
Variant type: single nucleotide variant.
Coding change: c.2266C>T on transcript NM_001352514.2 (MANE Select); coding-DNA position 2266, C replaced by T.
Protein change: p.Pro756Ser; replaces proline 756 with serine.
Molecular consequence: missense variant. On other transcripts: non-coding transcript variant (2).
Genome position (GRCh38, 1-based): chr21:36,756,726, G>A on the plus strand (C>T on the coding strand, the complement: HLCS is on the minus strand). VCF-style: chr21-36756726-G-A. GRCh37 (hg19) VCF-style: chr21-38129027-G-A.
Other names: c.1825C>T, p.Pro609Ser (NM_000411.8, NM_001242784.3, NM_001242785.2 and 4 more transcripts); short protein forms P609S, P756S.
Identifiers: ClinVar variation 1419930 (VCV001419930.9), dbSNP rs1285498636, ClinGen allele CA409919438.